The following is an entry in ClinVar:

ClinVar aggregate classification (germline): Uncertain significance (1 of 4 stars; one submission).

gnomAD v4.1: 4 of 1,605,998 alleles (0.00025%); highest among the groups gnomAD compares: Non-Finnish European, 0.00034%; no homozygotes.

Submission:

Labcorp Genetics (formerly Invitae), Labcorp
Classification: Uncertain significance. Last evaluated: 2025-12-19. Review status: criteria provided, single submitter. Criteria: Invitae Variant Classification Sherloc (09022015). Collection method: clinical testing. Allele origin: germline.
Comment: This sequence change replaces glycine, which is neutral and non-polar, with arginine, which is basic and polar, at codon 288 of the IFT88 protein (p.Gly288Arg). This variant is present in population databases (rs752724237, gnomAD 0.0009%). This variant has not been reported in the literature in individuals affected with IFT88-related conditions. An algorithm developed to predict the effect of missense changes on protein structure and function (PolyPhen-2) suggests that this variant is likely to be disruptive. In summary, the available evidence is currently insufficient to determine the role of this variant in disease. Therefore, it has been classified as a Variant of Uncertain Significance.

NM_006531.5(IFT88):c.835G>A (p.Gly279Arg)

Gene: IFT88 (intraflagellar transport 88; plus strand). Cytogenetic location: 13q12.11.
Variant type: single nucleotide variant.
Coding change: c.835G>A on transcript NM_006531.5 (MANE Select); coding-DNA position 835, G replaced by A.
Protein change: p.Gly279Arg; replaces glycine 279 with arginine.
Molecular consequence: missense variant. On other transcripts: non-coding transcript variant (5).
Genome position (GRCh38, 1-based): chr13:20,601,727, G>A. VCF-style: chr13-20601727-G-A. GRCh37 (hg19) VCF-style: chr13-21175866-G-A.
Other names: c.778G>A, p.Gly260Arg (NM_001318491.2, NM_001353573.2, NM_001353574.2 and 1 more transcripts); c.862G>A, p.Gly288Arg (NM_001318493.2, NM_001353565.2, NM_001353566.2 and 6 more transcripts); c.835G>A, p.Gly279Arg (NM_001353568.2, NM_001353571.2, NM_001353572.2 and 1 more transcripts); c.202G>A, p.Gly68Arg (NM_001353579.2); short protein forms G260R, G288R, G68R, G279R.
Identifiers: ClinVar variation 4729649 (VCV004729649.1).
Genomic context (GRCh38, chr13:20,601,727, plus strand): 5'-TCAGAATTTTAAAGCTAATCCATGTCTTTTTCTTTTAGGATTAAAATAATGCAGAATATT[G>A]GAGTTACATTTATTCAGGCTGGTCAGTATTCAGATGCTATTAATTCATATGAGCACATAA-3'
Protein context (NP_006522.2, residues 269-289): QMRIKIMQNI[Gly279Arg]VTFIQAGQYS